The following is an entry in ClinVar:

NM_152383.5(DIS3L2):c.896C>G (p.Thr299Arg)

Gene: DIS3L2 (DIS3 like 3'-5' exoribonuclease 2; plus strand). Cytogenetic location: 2q37.1.
Variant type: single nucleotide variant.
Coding change: c.896C>G on transcript NM_152383.5 (MANE Select); coding-DNA position 896, C replaced by G.
Protein change: p.Thr299Arg; replaces threonine 299 with arginine.
Molecular consequence: missense variant. On other transcripts: non-coding transcript variant (1).
Genome position (GRCh38, 1-based): chr2:232,136,665, C>G. VCF-style: chr2-232136665-C-G. GRCh37 (hg19) VCF-style: chr2-233001375-C-G.
Other names: c.896C>G, p.Thr299Arg (NM_001257281.2); short protein forms T299R.
Identifiers: ClinVar variation 1980457 (VCV001980457.4), dbSNP rs2106355567, ClinGen allele CA351153828.
Genomic context (GRCh38, chr2:232,136,665, plus strand): 5'-ATGTGCCTCTCAAGGACTGTCCCCAGGACTTTGTGGCACGGCCTAAAGATTATGCCAACA[C>G]ACTGTTCATCTGCCGCATTGTGGACTGGAAGGAGGACTGCAATTTTGCCCTGGGGTAGGT-3'
Protein context (NP_689596.4, residues 289-309): FVARPKDYAN[Thr299Arg]LFICRIVDWK

ClinVar aggregate classification (germline): Uncertain significance (1 of 4 stars; one submission).

Conditions:
Perlman syndrome (PRLMNS). Identifiers: Orphanet 2849, MedGen C0796113, MONDO:0009965, OMIM 267000.

Submission:

Labcorp Genetics (formerly Invitae), Labcorp
Classification: Uncertain significance for Perlman syndrome. Last evaluated: 2022-07-02. Review status: criteria provided, single submitter. Criteria: Invitae Variant Classification Sherloc (09022015). Collection method: clinical testing. Allele origin: germline.
Comment: In summary, the available evidence is currently insufficient to determine the role of this variant in disease. Therefore, it has been classified as a Variant of Uncertain Significance. Algorithms developed to predict the effect of sequence changes on RNA splicing suggest that this variant may create or strengthen a splice site. Algorithms developed to predict the effect of missense changes on protein structure and function are either unavailable or do not agree on the potential impact of this missense change (SIFT: "Tolerated"; PolyPhen-2: "Possibly Damaging"; Align-GVGD: "Class C0"). This variant has not been reported in the literature in individuals affected with DIS3L2-related conditions. This variant is not present in population databases (gnomAD no frequency). This sequence change replaces threonine, which is neutral and polar, with arginine, which is basic and polar, at codon 299 of the DIS3L2 protein (p.Thr299Arg).